The following is an entry in ClinVar:

NM_031293.3(PMFBP1):c.1769G>C (p.Arg590Pro)

Gene: PMFBP1 (polyamine modulated factor 1 binding protein 1; minus strand). Cytogenetic location: 16q22.2.
Variant type: single nucleotide variant.
Coding change: c.1769G>C on transcript NM_031293.3 (MANE Select); coding-DNA position 1769, G replaced by C.
Protein change: p.Arg590Pro; replaces arginine 590 with proline.
Molecular consequence: missense variant.
Genome position (GRCh38, 1-based): chr16:72,130,226, C>G on the plus strand (G>C on the coding strand, the complement: PMFBP1 is on the minus strand). VCF-style: chr16-72130226-C-G. GRCh37 (hg19) VCF-style: chr16-72164125-C-G.
Other names: c.1334G>C, p.Arg445Pro (NM_001160213.2); short protein forms R445P, R590P.
Identifiers: ClinVar variation 3049573 (VCV003049573.2), dbSNP rs138147953, ClinGen allele CA8161602.
Genomic context (GRCh38, chr16:72,130,226, plus strand): 5'-TTAAGCAGAGCAAGCACTTGAATGGGCCATCTGCCTGCCCGTCATACCTGGTGCTTGATA[C>G]GATCAAGCATGTCATTCATTTTCATATCCTGCTCAGCCACTGTCTTCTGAAGCTGCCTCT-3'
Protein context (NP_112583.2, residues 580-600): QDMKMNDMLD[Arg590Pro]IKHQHREQGS

ClinVar aggregate classification (germline): Benign (0 of 4 stars; one submission).

Conditions:
PMFBP1-related disorder. Also called: PMFBP1-related condition.

Allele frequency attached by ClinVar (database versions not stated): ESP Exome Variant Server 0.00031; 1000 Genomes Project 30x 0.00078; 1000 Genomes Project 0.00080.
gnomAD v4.1: 721 of 1,613,226 alleles (0.045%); highest among the groups gnomAD compares: East Asian, 0.82%; 5 homozygotes.

Submission:

PreventionGenetics, part of Exact Sciences
Classification: Benign for PMFBP1-related condition. Last evaluated: 2019-09-18. Review status: no assertion criteria provided. Collection method: clinical testing. Allele origin: germline.
Comment: This variant is classified as benign based on ACMG/AMP sequence variant interpretation guidelines (Richards et al. 2015 PMID: 25741868, with internal and published modifications).